The following is an entry in ClinVar:

ClinVar aggregate classification (germline): Likely benign (1 of 4 stars; one submission).

Conditions:
CHD5-related disorder. Also called: CHD5-related condition.

gnomAD v4.1: 7 of 1,614,076 alleles (0.00043%); highest among the groups gnomAD compares: Admixed American, 0.0033%; no homozygotes.

Submission:

PreventionGenetics, part of Exact Sciences
Classification: Likely benign for CHD5-related condition. Last evaluated: 2025-10-27. Review status: criteria provided, single submitter. Criteria: ACMG Guidelines, 2015. Collection method: clinical testing. Allele origin: germline.
Comment: This variant is classified as likely benign based on ACMG/AMP sequence variant interpretation guidelines (Richards et al. 2015 PMID: 25741868, with internal and published modifications).

NM_015557.3(CHD5):c.2411G>C (p.Ser804Thr)

Gene: CHD5 (chromodomain helicase DNA binding protein 5; minus strand). Cytogenetic location: 1p36.31.
Variant type: single nucleotide variant.
Coding change: c.2411G>C on transcript NM_015557.3 (MANE Select); coding-DNA position 2411, G replaced by C.
Protein change: p.Ser804Thr; replaces serine 804 with threonine.
Molecular consequence: missense variant.
Genome position (GRCh38, 1-based): chr1:6,142,153, C>G on the plus strand (G>C on the coding strand, the complement: CHD5 is on the minus strand). VCF-style: chr1-6142153-C-G. GRCh37 (hg19) VCF-style: chr1-6202213-C-G.
Other names: short protein forms S804T.
Identifiers: ClinVar variation 4985956 (VCV004985956.1).